The following is an entry in ClinVar:

ClinVar aggregate classification (germline): Uncertain significance (1 of 4 stars; one submission).

Allele frequency attached by ClinVar (database versions not stated): gnomAD exomes 0.00001.
gnomAD v4.1: 16 of 1,614,114 alleles (0.00099%); highest among the groups gnomAD compares: Non-Finnish European, 0.0014%; no homozygotes.

Submission:

Ambry Genetics
Classification: Uncertain significance. Last evaluated: 2022-03-14. Review status: criteria provided, single submitter. Criteria: Ambry Variant Classification Scheme 2023. Collection method: clinical testing. Allele origin: germline.
Comment: The p.L321V variant (also known as c.961T>G), located in coding exon 3 of the TERF2IP gene, results from a T to G substitution at nucleotide position 961. The leucine at codon 321 is replaced by valine, an amino acid with highly similar properties. This amino acid position is conserved. In addition, this alteration is predicted to be tolerated by in silico analysis. Since supporting evidence is limited at this time, the clinical significance of this alteration remains unclear.

NM_018975.4(TERF2IP):c.961T>G (p.Leu321Val)

Gene: TERF2IP (TERF2 interacting protein; plus strand). Cytogenetic location: 16q23.1.
Variant type: single nucleotide variant.
Coding change: c.961T>G on transcript NM_018975.4 (MANE Select); coding-DNA position 961, T replaced by G.
Protein change: p.Leu321Val; replaces leucine 321 with valine.
Molecular consequence: missense variant. On other transcripts: non-coding transcript variant (1).
Genome position (GRCh38, 1-based): chr16:75,656,372, T>G. VCF-style: chr16-75656372-T-G. GRCh37 (hg19) VCF-style: chr16-75690270-T-G.
Other names: short protein forms L321V.
Identifiers: ClinVar variation 1767598 (VCV001767598.2), dbSNP rs2507089492, ClinGen allele CA396819959.